The following is an entry in ClinVar:

LRG_2t1:c.(?_-471)_(738+1_739-1)del

Gene: COL1A2 (collagen type I alpha 2 chain; plus strand).
Variant type: Deletion.
Other names: c.(?_-471)_(738+1_739-1)del (LRG_2t1).
Identifiers: ClinVar variation 425665 (VCV000425665.1).

ClinVar aggregate classification (germline): Pathogenic (0 of 4 stars; one submission).

Conditions:
Osteogenesis imperfecta type III (OI3). Also called: Osteogenesis imperfecta type 3; OI type 3; Osteogenesis imperfecta, progressively deforming with normal sclerae; OI type III; Progressively Deforming Osteogenesis Imperfecta. Identifiers: Orphanet 216812, Orphanet 666, MedGen C0268362, MONDO:0009804, OMIM 259420.

Submission:

Department of Medical Sciences, Uppsala University
Classification: Pathogenic for OI type III. Review status: no assertion criteria provided. Collection method: clinical testing. Allele origin: unknown. Affected: yes. Observed: 1 variant allele.
Comment: Partial deletion of COL1A2

Literature cited by the submitters: PubMed 25944380.